The following is an entry in ClinVar:

NM_014727.3(KMT2B):c.132G>A (p.Arg44=)

Genes: KMT2B (lysine methyltransferase 2B; plus strand), LOC130064258 (ATAC-STARR-seq lymphoblastoid silent region 10535; plus strand). Cytogenetic location: 19q13.12.
Variant type: single nucleotide variant.
Coding change: c.132G>A on transcript NM_014727.3 (MANE Select); coding-DNA position 132, G replaced by A.
Protein change: p.Arg44=; no amino-acid change (arginine 44 retained).
Molecular consequence: synonymous variant.
Genome position (GRCh38, 1-based): chr19:35,718,150, G>A. VCF-style: chr19-35718150-G-A. GRCh37 (hg19) VCF-style: chr19-36209052-G-A.
Identifiers: ClinVar variation 1950021 (VCV001950021.7), dbSNP rs2513306425, ClinGen allele CA507304718.

ClinVar aggregate classification (germline): Likely benign. Review status: criteria provided, multiple submitters, no conflicts (2 of 4 stars). 2 submissions from 2 submitters: Likely benign (2). Last evaluated 2026-04-01.

Allele frequency attached by ClinVar (database versions not stated): gnomAD exomes 0.00001.
gnomAD v4.1: 9 of 1,058,082 alleles (0.00085%); highest among the groups gnomAD compares: Non-Finnish European, 0.00091%; no homozygotes.

Submissions (2):

CeGaT Center for Human Genetics Tuebingen
Classification: Likely benign. Last evaluated: 2026-04-01. Review status: criteria provided, single submitter. Criteria: CeGaT Center For Human Genetics Tuebingen Variant Classification Criteria Version 2. Collection method: clinical testing. Allele origin: germline. Affected: yes. Observed: 1 variant allele.
Comment: KMT2B: BP4, BP7

Labcorp Genetics (formerly Invitae), Labcorp
Classification: Likely benign. Last evaluated: 2022-05-12. Review status: criteria provided, single submitter. Criteria: Invitae Variant Classification Sherloc (09022015). Collection method: clinical testing. Allele origin: germline.